The following is an entry in ClinVar:

ClinVar aggregate classification (germline): Uncertain significance (1 of 4 stars; one submission).

Allele frequency attached by ClinVar (database versions not stated): gnomAD exomes below 0.00001.
gnomAD v4.1: 1 of 1,614,104 alleles (0.000062%); highest among the groups gnomAD compares: South Asian, 0.0011%; no homozygotes.

Submission:

Labcorp Genetics (formerly Invitae), Labcorp
Classification: Uncertain significance. Last evaluated: 2024-01-30. Review status: criteria provided, single submitter. Criteria: Invitae Variant Classification Sherloc (09022015). Collection method: clinical testing. Allele origin: germline.
Comment: This sequence change replaces glycine, which is neutral and non-polar, with serine, which is neutral and polar, at codon 838 of the NTRK2 protein (p.Gly838Ser). This variant is present in population databases (no rsID available, gnomAD 0.003%). This variant has not been reported in the literature in individuals affected with NTRK2-related conditions. Advanced modeling of protein sequence and biophysical properties (such as structural, functional, and spatial information, amino acid conservation, physicochemical variation, residue mobility, and thermodynamic stability) has been performed at Invitae for this missense variant, however the output from this modeling did not meet the statistical confidence thresholds required to predict the impact of this variant on NTRK2 protein function. In summary, the available evidence is currently insufficient to determine the role of this variant in disease. Therefore, it has been classified as a Variant of Uncertain Significance.

NM_006180.6(NTRK2):c.2512G>A (p.Gly838Ser)

Gene: NTRK2 (neurotrophic receptor tyrosine kinase 2; plus strand). Cytogenetic location: 9q21.33.
Variant type: single nucleotide variant.
Coding change: c.2512G>A on transcript NM_006180.6 (MANE Select); coding-DNA position 2512, G replaced by A.
Protein change: p.Gly838Ser; replaces glycine 838 with serine.
Molecular consequence: missense variant.
Genome position (GRCh38, 1-based): chr9:85,021,432, G>A. VCF-style: chr9-85021432-G-A. GRCh37 (hg19) VCF-style: chr9-87636347-G-A.
Other names: c.2464G>A, p.Gly822Ser (NM_001018064.3, NM_001369532.1, NM_001369533.1); c.2428G>A, p.Gly810Ser (NM_001369534.1); c.1996G>A, p.Gly666Ser (NM_001369535.1); c.2044G>A, p.Gly682Ser (NM_001369536.1); c.2512G>A, p.Gly838Ser (NM_001381928.1); short protein forms G822S, G666S, G682S, G810S, G838S.
Identifiers: ClinVar variation 2714235 (VCV002714235.3), dbSNP rs1229826541, ClinGen allele CA374009648.
Genomic context (GRCh38, chr9:85,021,432, plus strand): 5'-GGCATCCATACCCTCCTTCAGAACTTGGCCAAGGCATCTCCGGTCTACCTGGACATTCTA[G>A]GCTAGGGCCCTTTTCCCCAGACCGATCCTTCCCAACGTACTCCTCAGACGGGCTGAGAGG-3'
Protein context (NP_006171.2, residues 828-838): KASPVYLDIL[Gly838Ser]